The following is an entry in ClinVar:

NM_003098.3(SNTA1):c.220C>A (p.Pro74Thr)

Gene: SNTA1 (syntrophin alpha 1; minus strand). Cytogenetic location: 20q11.21.
Variant type: single nucleotide variant.
Coding change: c.220C>A on transcript NM_003098.3 (MANE Select); coding-DNA position 220, C replaced by A.
Protein change: p.Pro74Thr; replaces proline 74 with threonine.
Molecular consequence: missense variant.
Genome position (GRCh38, 1-based): chr20:33,443,401, G>T on the plus strand (C>A on the coding strand, the complement: SNTA1 is on the minus strand). VCF-style: chr20-33443401-G-T. GRCh37 (hg19) VCF-style: chr20-32031207-G-T.
Other names: c.220C>A, p.Pro74Thr (NM_001424413.1, NM_001424414.1); short protein forms P74T.
Identifiers: ClinVar variation 3652264 (VCV003652264.2).

ClinVar aggregate classification (germline): Uncertain significance (1 of 4 stars; one submission).

Conditions:
Long QT syndrome (LQTS). Identifiers: MedGen C0023976, MeSH D008133, MONDO:0002442. Disease mechanism: loss of function. Inheritance: Various modes of inheritance.

gnomAD v4.1: 4 of 1,350,250 alleles (0.0003%); highest among the groups gnomAD compares: South Asian, 0.0018%; no homozygotes.

Submission:

Labcorp Genetics (formerly Invitae), Labcorp
Classification: Uncertain significance for Long QT syndrome. Last evaluated: 2024-06-13. Review status: criteria provided, single submitter. Criteria: Invitae Variant Classification Sherloc (09022015). Collection method: clinical testing. Allele origin: germline.
Comment: This sequence change replaces proline, which is neutral and non-polar, with threonine, which is neutral and polar, at codon 74 of the SNTA1 protein (p.Pro74Thr). This variant is not present in population databases (gnomAD no frequency). This variant has not been reported in the literature in individuals affected with SNTA1-related conditions. Advanced modeling of protein sequence and biophysical properties (such as structural, functional, and spatial information, amino acid conservation, physicochemical variation, residue mobility, and thermodynamic stability) performed at Invitae indicates that this missense variant is not expected to disrupt SNTA1 protein function with a negative predictive value of 80%. In summary, the available evidence is currently insufficient to determine the role of this variant in disease. Therefore, it has been classified as a Variant of Uncertain Significance.